The following is an entry in ClinVar:

ClinVar aggregate classification (germline): Pathogenic/Likely pathogenic. Review status: criteria provided, multiple submitters, no conflicts (2 of 4 stars). 2 submissions from 2 submitters: Pathogenic (1); Likely pathogenic (1). Last evaluated 2023-06-15.

Conditions:
Van Maldergem syndrome. Also called: Cerebrofacioarticular syndrome. Identifiers: Orphanet 314679, MedGen C1832390, MONDO:0017813.

Submissions (2):

Labcorp Genetics (formerly Invitae), Labcorp
Classification: Pathogenic. Last evaluated: 2023-06-15. Review status: criteria provided, single submitter. Criteria: Invitae Variant Classification Sherloc (09022015). Collection method: clinical testing. Allele origin: germline.
Comment: For these reasons, this variant has been classified as Pathogenic. ClinVar contains an entry for this variant (Variation ID: 666967). This variant has not been reported in the literature in individuals affected with FAT4-related conditions. This variant is not present in population databases (gnomAD no frequency). This sequence change creates a premature translational stop signal (p.Arg2234*) in the FAT4 gene. It is expected to result in an absent or disrupted protein product. Loss-of-function variants in FAT4 are known to be pathogenic (PMID: 24056717, 24913602).

Laboratory for Molecular Medicine, Mass General Brigham Personalized Medicine
Classification: Likely pathogenic for Van Maldergem syndrome. Last evaluated: 2017-01-30. Review status: criteria provided, single submitter. Criteria: LMM Criteria. Collection method: clinical testing. Allele origin: germline. Inheritance: Autosomal recessive inheritance. Observed: 1 variant allele.
Comment: The p.Arg2234* (NM_024582.4 c.6700C>T) variant in FAT4 has not been reported in the literature and was absent from large population studies. This nonsense varia nt leads to a premature termination codon at position 2234, which is predicted t o lead to a truncated or absent protein. Biallelic loss of function of the FAT4 gene has been associated with two syndromes that have overlapping features: Van Maldergem syndrome 2 / Hennekam lymphangiectasia-lymphedema syndrome 2. In summa ry, although additional studies are required to fully establish a null effect on the protein, the p.Arg2234* variant in FAT4 is likely pathogenic for Van Malder gem syndrome 2 / Hennekam lymphangiectasia-lymphedema syndrome 2 spectrum disord ers in an autosomal recessive manner based upon its predicted functional impact.

Literature cited by the submitters: PubMed 24056717 (cited by Labcorp Genetics (formerly Invitae), Labcorp); PubMed 24913602 (cited by Labcorp Genetics (formerly Invitae), Labcorp).

NM_001291303.3(FAT4):c.6700C>T (p.Arg2234Ter)

Gene: FAT4 (FAT atypical cadherin 4; plus strand). Cytogenetic location: 4q28.1.
Variant type: single nucleotide variant.
Coding change: c.6700C>T on transcript NM_001291303.3 (MANE Select); coding-DNA position 6700, C replaced by T.
Protein change: p.Arg2234Ter; replaces arginine 2234 with a stop codon.
Molecular consequence: nonsense.
Genome position (GRCh38, 1-based): chr4:125,415,663, C>T. VCF-style: chr4-125415663-C-T. GRCh37 (hg19) VCF-style: chr4-126336818-C-T.
Other names: c.6700C>T, p.Arg2234Ter (NM_001291285.3, NM_024582.6); short protein forms R2234*.
Identifiers: ClinVar variation 666967 (VCV000666967.7), dbSNP rs567305960, ClinGen allele CA358130360.
Genomic context (GRCh38, chr4:125,415,663, plus strand): 5'-GCTAAACCTTTGGATAGAGAAAAGACCCCTACCTACCATTTAACTGTTCAGGCAACAGAT[C>T]GAGGCAGCACACCCAGAACTGATACCTCCACGGTCAGCATTGTTCTACTGGATATTAATG-3'